The following is an entry in ClinVar:

NM_000404.4(GLB1):c.-48G>C

Genes: GLB1 (galactosidase beta 1; minus strand), TMPPE (transmembrane protein with metallophosphoesterase domain; minus strand), LOC129936434 (ATAC-STARR-seq lymphoblastoid silent region 14182; plus strand). Cytogenetic location: 3p22.3.
Variant type: single nucleotide variant.
Coding change: c.-48G>C on transcript NM_000404.4 (MANE Select); 48 bases upstream of the start codon, G replaced by C.
Molecular consequence: 5 prime UTR variant.
Genome position (GRCh38, 1-based): chr3:33,097,133, C>G on the plus strand (G>C on the coding strand, the complement: GLB1 is on the minus strand). VCF-style: chr3-33097133-C-G. GRCh37 (hg19) VCF-style: chr3-33138625-C-G.
Other names: c.-48G>C (NM_001135602.3, NM_001317040.2, NM_001393580.1); c.-523G>C (NM_001039770.3); c.-419G>C (NM_001136238.2).
Identifiers: ClinVar variation 902457 (VCV000902457.4), dbSNP rs529551028, ClinGen allele CA2300160.

ClinVar aggregate classification (germline): Conflicting classifications of pathogenicity. Review status: criteria provided, conflicting classifications (1 of 4 stars). 2 submissions from 1 submitter: Uncertain significance (1); Likely benign (1). Last evaluated 2018-01-13.

Conditions:
Mucopolysaccharidosis, MPS-IV-B (MPS4B). Also called: Mucopolysaccharidosis type IV B; Mucopolysaccharidosis Type IVB (Morquio B Disease); Mucopolysaccharidosis type 4B; Mucopolysaccharidosis type IVB (Morquio); MPS IVB; Mucopolysaccharidosis Type IVB. Identifiers: Orphanet 309310, Orphanet 582, MedGen C0086652, MONDO:0009660, OMIM 253010.
GM1 gangliosidosis. Identifiers: Orphanet 354, MedGen C0085131, MONDO:0018149.

Allele frequency attached by ClinVar (database versions not stated): gnomAD 0.00001 and 0.00012; TOPMed 0.00001; gnomAD exomes 0.00019 and 0.00048; ExAC 0.00058; 1000 Genomes Project 30x 0.00062; 1000 Genomes Project 0.00080.
gnomAD v4.1: 296 of 1,603,926 alleles (0.018%); highest among the groups gnomAD compares: South Asian, 0.31%; 4 homozygotes.

Submissions (2):

Illumina Laboratory Services, Illumina
Classification: Uncertain significance for GM1 gangliosidosis. Last evaluated: 2018-01-13. Review status: criteria provided, single submitter. Criteria: ICSL Variant Classification Criteria 13 December 2019. Collection method: clinical testing. Allele origin: germline.

Illumina Laboratory Services, Illumina
Classification: Likely benign for Mucopolysaccharidosis, MPS-IV-B. Last evaluated: 2018-01-13. Review status: criteria provided, single submitter. Criteria: ICSL Variant Classification Criteria 13 December 2019. Collection method: clinical testing. Allele origin: germline.
Comment: This variant was observed in the ICSL laboratory as part of a predisposition screen in an ostensibly healthy population. It had not been previously curated by ICSL or reported in the Human Gene Mutation Database (HGMD: prior to June 1st, 2018), and was therefore a candidate for classification through an automated scoring system. Utilizing variant allele frequency, disease prevalence and penetrance estimates, and inheritance mode, an automated score was calculated to assess if this variant is too frequent to cause the disease. Based on the score and internal cut-off values, a variant classified as likely benign is not then subjected to further curation. The score for this variant resulted in a classification of likely benign for this disease.